The following is an entry in ClinVar:

NM_014915.3(ANKRD26):c.3458C>T (p.Ala1153Val)

Gene: ANKRD26 (ankyrin repeat domain containing 26; minus strand). Cytogenetic location: 10p12.1.
Variant type: single nucleotide variant.
Coding change: c.3458C>T on transcript NM_014915.3 (MANE Select); coding-DNA position 3458, C replaced by T.
Protein change: p.Ala1153Val; replaces alanine 1153 with valine.
Molecular consequence: missense variant.
Genome position (GRCh38, 1-based): chr10:27,034,992, G>A on the plus strand (C>T on the coding strand, the complement: ANKRD26 is on the minus strand). VCF-style: chr10-27034992-G-A. GRCh37 (hg19) VCF-style: chr10-27323921-G-A.
Other names: c.3455C>T, p.Ala1152Val (NM_001256053.2); short protein forms A1152V, A1153V.
Identifiers: ClinVar variation 3871680 (VCV003871680.1).

ClinVar aggregate classification (germline): Uncertain significance (1 of 4 stars; one submission).

Conditions:
Inborn genetic diseases. Identifiers: MedGen C0950123, MeSH D030342.

Submission:

Ambry Genetics
Classification: Uncertain significance for Inborn genetic diseases. Last evaluated: 2025-02-23. Review status: criteria provided, single submitter. Criteria: Ambry Variant Classification Scheme 2023. Collection method: clinical testing. Allele origin: germline.
Comment: The p.A1153V variant (also known as c.3458C>T), located in coding exon 24 of the ANKRD26 gene, results from a C to T substitution at nucleotide position 3458. The alanine at codon 1153 is replaced by valine, an amino acid with similar properties. This amino acid position is conserved. In addition, this alteration is predicted to be tolerated by in silico analysis. Based on the available evidence, the clinical significance of this variant remains unclear.